The following is an entry in ClinVar:

ClinVar aggregate classification (germline): Uncertain significance (1 of 4 stars; one submission).

Submission:

GeneDx
Classification: Uncertain significance. Last evaluated: 2024-02-22. Review status: criteria provided, single submitter. Criteria: GeneDx Variant Classification Process June 2021. Collection method: clinical testing. Allele origin: germline. Affected: yes.
Comment: Not observed at significant frequency in large population cohorts (gnomAD); In silico analysis supports that this missense variant does not alter protein structure/function; Has not been previously published as pathogenic or benign to our knowledge

NM_001393769.1(MED12L):c.1244C>G (p.Ala415Gly)

Gene: MED12L (mediator complex subunit 12L; plus strand). Cytogenetic location: 3q25.1.
Variant type: single nucleotide variant.
Coding change: c.1244C>G on transcript NM_001393769.1 (MANE Select); coding-DNA position 1244, C replaced by G.
Protein change: p.Ala415Gly; replaces alanine 415 with glycine.
Molecular consequence: missense variant.
Genome position (GRCh38, 1-based): chr3:151,164,029, C>G. VCF-style: chr3-151164029-C-G. GRCh37 (hg19) VCF-style: chr3-150881816-C-G.
Other names: c.1244C>G, p.Ala415Gly (NM_053002.6); short protein forms A415G.
Identifiers: ClinVar variation 3369670 (VCV003369670.1).